The following is an entry in ClinVar:

NM_001267550.2(TTN):c.102043T>C (p.Phe34015Leu)

Genes: TTN-AS1 (TTN antisense RNA 1; plus strand), TTN (titin; minus strand). Cytogenetic location: 2q31.2.
Variant type: single nucleotide variant.
Coding change: c.102043T>C on transcript NM_001267550.2 (MANE Select); coding-DNA position 102043, T replaced by C.
Protein change: p.Phe34015Leu; replaces phenylalanine 34015 with leucine.
Molecular consequence: missense variant.
Genome position (GRCh38, 1-based): chr2:178,534,572, A>G on the plus strand (T>C on the coding strand, the complement: TTN is on the minus strand). VCF-style: chr2-178534572-A-G. GRCh37 (hg19) VCF-style: chr2-179399299-A-G.
Other names: c.97120T>C, p.Phe32374Leu (NM_001256850.1); c.74848T>C, p.Phe24950Leu (NM_003319.4); c.94339T>C, p.Phe31447Leu (NM_133378.4); c.75223T>C, p.Phe25075Leu (NM_133432.3); c.75424T>C, p.Phe25142Leu (NM_133437.4); short protein forms F32374L, F24950L, F25142L, F34015L, F25075L, F31447L.
Identifiers: ClinVar variation 1970263 (VCV001970263.5), dbSNP rs2468540880, ClinGen allele CA349418500.

ClinVar aggregate classification (germline): Uncertain significance (1 of 4 stars; one submission).

Conditions:
Dilated cardiomyopathy 1G (CMD1G). Identifiers: Orphanet 154, MedGen C1858763, MONDO:0011400, OMIM 604145.
Autosomal recessive limb-girdle muscular dystrophy type 2J (LGMDR10). Also called: Limb-girdle muscular dystrophy, type 2J; MUSCULAR DYSTROPHY, LIMB-GIRDLE, AUTOSOMAL RECESSIVE 10. Identifiers: Orphanet 140922, MedGen C1837342, MONDO:0012127, OMIM 608807.

Allele frequency attached by ClinVar (database versions not stated): gnomAD exomes below 0.00001.
gnomAD v4.1: 1 of 1,613,900 alleles (0.000062%); highest among the groups gnomAD compares: Non-Finnish European, 0.000085%; no homozygotes.

Submission:

Labcorp Genetics (formerly Invitae), Labcorp
Classification: Uncertain significance for Dilated cardiomyopathy 1G; Autosomal recessive limb-girdle muscular dystrophy type 2J. Last evaluated: 2022-04-09. Review status: criteria provided, single submitter. Criteria: Invitae Variant Classification Sherloc (09022015). Collection method: clinical testing. Allele origin: germline.
Comment: This variant is located in the M band of TTN (PMID: 25589632). Variants in this region may be relevant for neuromuscular disorders, but have not been definitively shown to cause cardiomyopathy (PMID: 23975875). In summary, the available evidence is currently insufficient to determine the role of this variant in disease. Therefore, it has been classified as a Variant of Uncertain Significance. Experimental studies and prediction algorithms are not available or were not evaluated, and the functional significance of this variant is currently unknown. This variant has not been reported in the literature in individuals affected with TTN-related conditions. This variant is not present in population databases (gnomAD no frequency). This sequence change replaces phenylalanine, which is neutral and non-polar, with leucine, which is neutral and non-polar, at codon 34015 of the TTN protein (p.Phe34015Leu).

Literature cited by the submitters: PubMed 25589632; PubMed 23975875.